The following is an entry in ClinVar:

ClinVar aggregate classification (germline): Benign (1 of 4 stars; one submission).

Conditions:
Collagen 6-related myopathy. Identifiers: MedGen CN117976, MONDO:0100225.

Allele frequency attached by ClinVar (database versions not stated): gnomAD 0.00042 and 0.00034; 1000 Genomes Project 30x 0.00156; 1000 Genomes Project 0.00100; gnomAD exomes 0.00047; TOPMed 0.00072.

Submission:

Illumina Laboratory Services, Illumina
Classification: Benign for Collagen VI-related myopathy. Last evaluated: 2018-01-13. Review status: criteria provided, single submitter. Criteria: ICSL Variant Classification Criteria 13 December 2019. Collection method: clinical testing. Allele origin: germline.
Comment: This variant was observed in the ICSL laboratory as part of a predisposition screen in an ostensibly healthy population. It had not been previously curated by ICSL or reported in the Human Gene Mutation Database (HGMD: prior to June 1st, 2018), and was therefore a candidate for classification through an automated scoring system. Utilizing variant allele frequency, disease prevalence and penetrance estimates, and inheritance mode, an automated score was calculated to assess if this variant is too frequent to cause the disease. Based on the score and internal cut-off values, a variant classified as benign is not then subjected to further curation. The score for this variant resulted in a classification of benign for this disease.

NM_001849.3(COL6A2):c.*303G>A

Gene: COL6A2 (collagen type VI alpha 2 chain; plus strand). Cytogenetic location: 21q22.3.
Variant type: single nucleotide variant.
Coding change: c.*303G>A on transcript NM_001849.3; 303 bases downstream of the stop codon, G replaced by A.
Genome position (GRCh38, 1-based): chr21:46,132,855, G>A. VCF-style: chr21-46132855-G-A. GRCh37 (hg19) VCF-style: chr21-47552769-G-A.
Identifiers: ClinVar variation 898264 (VCV000898264.6), dbSNP rs143059384, ClinGen allele CA321980768.